The following is an entry in ClinVar:

ClinVar aggregate classification (germline): Pathogenic/Likely pathogenic. Review status: criteria provided, multiple submitters, no conflicts (2 of 4 stars). 16 submissions from 16 submitters: Pathogenic (15); Likely pathogenic (1). Last evaluated 2026-09-15.

Conditions:
MUTYH-related disorder. Also called: MUTYH-related condition; MUTYH-related disorders.
Familial adenomatous polyposis 2. Also called: MYH-associated polyposis; COLORECTAL ADENOMATOUS POLYPOSIS, AUTOSOMAL RECESSIVE; ADENOMAS, MULTIPLE COLORECTAL, AUTOSOMAL RECESSIVE; FAP type 2; MUTYH-related attenuated familial adenomatous polyposis; MUTYH-associated polyposis. Identifiers: Orphanet 220460, Orphanet 247798, MedGen C3272841, MONDO:0012041, OMIM 608456.
Gastric cancer. Also called: Stomach cancer; Malignant tumor of stomach. Identifiers: MedGen C0024623, MeSH D013274, MONDO:0001056, OMIM 613659, HP:0012126.
Hereditary cancer-predisposing syndrome. Also called: Tumor predisposition; Neoplastic Syndromes, Hereditary; Hereditary neoplastic syndrome; Hereditary Cancer Syndrome. Identifiers: Orphanet 140162, MedGen C0027672, MeSH D009386, MONDO:0015356.
Carcinoma of colon (CRC). Also called: Colonic carcinoma; Colon carcinoma. Identifiers: MedGen C0699790, MONDO:0002032.

Allele frequency attached by ClinVar (database versions not stated): TOPMed 0.00001; ExAC 0.00002; gnomAD exomes 0.00002 and 0.00007; gnomAD 0.00001.
gnomAD v4.1: 103 of 1,613,776 alleles (0.0064%); highest among the groups gnomAD compares: Non-Finnish European, 0.0086%; no homozygotes.

Submissions 1 to 10 of 16:

PreventionGenetics, part of Exact Sciences
Classification: Pathogenic for MUTYH-related condition. Last evaluated: 2026-09-15. Review status: criteria provided, single submitter. Criteria: ACMG Guidelines, 2015. Collection method: clinical testing. Allele origin: germline.
Comment: The MUTYH c.1187-2A>G variant is predicted to disrupt the AG splice acceptor site and interfere with normal splicing. This canonical splice variant has been reported to be causative for autosomal recessive polyposis (Wang et al. 2004. PubMed ID: 15236166; Eliason et al. 2005. PubMed ID: 15635083). It is also known as IVS12-2A>G. This variant is reported in 0.0050% of alleles in individuals of East Asian descent in gnomAD and has been interpreted as likely pathogenic/pathogenic in the ClinVar database (Variation ID: 141282). Variants that disrupt the consensus splice acceptor site in MUTYH are expected to be pathogenic. This variant is interpreted as pathogenic.

Labcorp Genetics (formerly Invitae), Labcorp
Classification: Pathogenic for Familial adenomatous polyposis 2. Last evaluated: 2026-01-31. Review status: criteria provided, single submitter. Criteria: Invitae Variant Classification Sherloc (09022015). Collection method: clinical testing. Allele origin: germline.
Comment: This sequence change affects an acceptor splice site in intron 12 of the MUTYH gene. RNA analysis indicates that disruption of this splice site induces altered splicing and may result in an absent or altered protein product. This variant is present in population databases (rs587781628, gnomAD 0.005%). Disruption of this splice site has been observed in individual(s) with polyposis and/or colon/rectum cancer (PMID: 15236166, 15931596). In at least one individual the data is consistent with being in trans (on the opposite chromosome) from a pathogenic variant. This variant is also known as 9639A>G and IVS12-2A>G. ClinVar contains an entry for this variant (Variation ID: 141282). Studies have shown that disruption of this splice site results in activation of a cryptic splice site, and produces a non-functional protein and/or introduces a premature termination codon (internal data). For these reasons, this variant has been classified as Pathogenic.

Color Diagnostics, LLC DBA Color Health
Classification: Pathogenic for Hereditary cancer-predisposing syndrome. Last evaluated: 2025-02-18. Review status: criteria provided, single submitter. Criteria: ACMG Guidelines, 2015. Collection method: clinical testing. Allele origin: germline.
Comment: This variant causes an A to G nucleotide substitution at the -2 position of intron 12 of the MUTYH gene. This variant is also known as IVS12-2A>G and 9639A>G in the literature. Splice site prediction tools predict that this variant may have a significant impact on RNA splicing. An RNA study has reported this variant to result in a null allele (PMID: 15931596). This variant has been reported in three individuals affected with colorectal cancer and/or polyposis, including two individuals who were compound heterozygous with a known pathogenic variant (PMID: 15236166, 15931596, 27145315). This variant has been identified in 7/281032 chromosomes in the general population by the Genome Aggregation Database (gnomAD). Loss of MUTYH function is a known mechanism of disease. Based on the available evidence, this variant is classified as Pathogenic.

Ambry Genetics
Classification: Pathogenic for Hereditary cancer-predisposing syndrome. Last evaluated: 2024-09-27. Review status: criteria provided, single submitter. Criteria: Ambry Variant Classification Scheme 2023. Collection method: clinical testing. Allele origin: germline.
Comment: The c.1187-2A>G intronic pathogenic mutation results from an A to G substitution 2 nucleotides before coding exon 13 in the MUTYH gene. In another study, this variant was reported in heterozygous form in a colon polyposis patient who previously tested negative for FAP and HNPCC (Eliason et al. J Med Genet. 2005 Jan;42(1):95-6). This variant has also been identified in the homozygous state and as compound heterozygous with MUTYH founder mutations in individuals with adenomatous polyposis (Ambry internal data). RNA studies have demonstrated this alteration results in abnormal splicing in the set of samples tested (Ambry internal data). This variant is considered to be rare based on population cohorts in the Genome Aggregation Database (gnomAD). Note, this mutation is also referred to as c.1145-2A>G and IVS12-2A>G in published literature. Based on the supporting evidence, this alteration is interpreted as a disease-causing mutation.

Baylor Genetics
Classification: Pathogenic for Familial adenomatous polyposis 2. Last evaluated: 2024-02-21. Review status: criteria provided, single submitter. Criteria: ACMG Guidelines, 2015. Collection method: clinical testing. Allele origin: unknown.

All of Us Research Program, National Institutes of Health
Classification: Pathogenic for Familial adenomatous polyposis 2. Last evaluated: 2023-12-13. Review status: criteria provided, single submitter. Criteria: ACMG Guidelines, 2015. Collection method: clinical testing. Allele origin: germline. Inheritance: Autosomal recessive inheritance. Observed: 4 variant alleles, 4 heterozygotes.
Comment: This variant causes an A to G nucleotide substitution at the -2 position of intron 12 of the MUTYH gene. This variant is also known as IVS12-2A>G and 9639A>G in the literature. Splice site prediction tools predict that this variant may have a significant impact on RNA splicing. An RNA study has reported this variant to result in a null allele (PMID: 15931596). This variant has been reported in three individuals affected with colorectal cancer and/or polyposis, including two individuals who were compound heterozygous with a known pathogenic variant (PMID: 15236166, 15931596, 27145315). This variant has been identified in 7/281032 chromosomes in the general population by the Genome Aggregation Database (gnomAD). Loss of MUTYH function is a known mechanism of disease. Based on the available evidence, this variant is classified as Pathogenic.

This study involves interpretation of variants in research participants for the purpose of population health screening. Participant phenotype was not available at the time of variant classification. Additional details can be found in publication PMID: 35346344, PMCID: PMC8962531

Quest Diagnostics Nichols Institute San Juan Capistrano
Classification: Pathogenic. Last evaluated: 2023-11-24. Review status: criteria provided, single submitter. Criteria: Quest Diagnostics criteria. Collection method: clinical testing. Allele origin: unknown.
Comment: The MUTYH c.1187-2A>G variant disrupts a canonical splice-acceptor site and interferes with normal MUTYH mRNA splicing. This variant has been reported in the published literature in individuals with colorectal cancer (PMID: 15931596 (2005), 15635083 (2005), 15236166 (2004)), MUTYH associated polyposis (MAPP) (PMID: 2714315(2016)), and breast cancer (PMID: 33471991 (2021, see also LOVD). A published RNA transcript analysis from a patient sample confirmed this variant causes loss of the wild-type transcript (PMID 15931596 (2005)). The frequency of this variant in the general population, 0.000047 (6/128252 chromosomes (Genome Aggregation Database)). Based on the available information, this variant is classified as pathogenic.

GeneDx
Classification: Pathogenic. Last evaluated: 2022-11-22. Review status: criteria provided, single submitter. Criteria: GeneDx Variant Classification Process June 2021. Collection method: clinical testing. Allele origin: germline. Affected: yes.
Comment: Not observed at significant frequency in large population cohorts (gnomAD); Canonical splice site variant predicted to result in a null allele in a gene for which loss of function is a known mechanism of disease; This variant is associated with the following publications: (PMID: 21171015, 26202870, 25525159, 19725997, 19245865, 27194394, 24444654, 27096365, 15635083, 15236166, 27799157, 29490034, 31277343, 30787465, 18534194, 27145315, 15931596)

Department of Pathology and Laboratory Medicine, Sinai Health System
Classification: Pathogenic for Familial adenomatous polyposis 2. Last evaluated: 2022-10-31. Review status: criteria provided, single submitter. Criteria: ACMG Guidelines, 2015. Collection method: clinical testing. Allele origin: germline. Affected: yes.

Fulgent Genetics
Classification: Pathogenic for Familial adenomatous polyposis 2; Gastric cancer. Last evaluated: 2022-03-06. Review status: criteria provided, single submitter. Criteria: ACMG Guidelines, 2015. Collection method: clinical testing. Allele origin: unknown.

NM_001048174.2(MUTYH):c.1103-2A>G

Gene: MUTYH (mutY DNA glycosylase; minus strand). Cytogenetic location: 1p34.1.
Variant type: single nucleotide variant.
Coding change: c.1103-2A>G on transcript NM_001048174.2 (MANE Select); the canonical splice acceptor site of the intron before coding-DNA position 1103, A replaced by G.
Molecular consequence: splice acceptor variant.
Genome position (GRCh38, 1-based): chr1:45,331,558, T>C on the plus strand (A>G on the coding strand, the complement: MUTYH is on the minus strand). VCF-style: chr1-45331558-T-C. GRCh37 (hg19) VCF-style: chr1-45797230-T-C.
Other names: c.1103-2A>G (NM_001407072.1, NM_001407073.1, NM_001048171.2 and 6 more transcripts); c.758-2A>G (NM_001350651.2, NM_001350650.2, NM_001407082.1); c.827-2A>G (NM_001293192.2, NM_001293196.2, NM_001407091.1); c.1148-2A>G (NM_001293190.2); c.1136-2A>G (NM_001407069.1, NM_001407077.1, NM_001293191.2); c.1178-2A>G (NM_012222.3); c.1187-2A>G (NM_001128425.2); c.1106-2A>G (NM_001407071.1, NM_001048172.2, NM_001407078.1 and 1 more transcripts); and 5 more.
Identifiers: ClinVar variation 141282 (VCV000141282.48), dbSNP rs587781628, ClinGen allele CA012245.